The following is an entry in ClinVar:

NM_001101426.4(CRPPA):c.387A>C (p.Ser129=)

Gene: CRPPA (CDP-L-ribitol pyrophosphorylase A; minus strand). Cytogenetic location: 7p21.2.
Variant type: single nucleotide variant.
Coding change: c.387A>C on transcript NM_001101426.4 (MANE Select); coding-DNA position 387, A replaced by C.
Protein change: p.Ser129=; no amino-acid change (serine 129 retained).
Molecular consequence: synonymous variant. On other transcripts: non-coding transcript variant (1).
Genome position (GRCh38, 1-based): chr7:16,406,208, T>G on the plus strand (A>C on the coding strand, the complement: CRPPA is on the minus strand). VCF-style: chr7-16406208-T-G. GRCh37 (hg19) VCF-style: chr7-16445833-T-G.
Other names: c.387A>C, p.Ser129= (NM_001101417.4, NM_001368197.1).
Identifiers: ClinVar variation 2194156 (VCV002194156.28), dbSNP rs767301131, ClinGen allele CA4169615.

ClinVar aggregate classification (germline): Likely benign. Review status: criteria provided, multiple submitters, no conflicts (2 of 4 stars). 2 submissions from 2 submitters: Likely benign (2). Last evaluated 2024-02-23.

Conditions:
Muscular dystrophy-dystroglycanopathy (congenital with brain and eye anomalies), type A, 7. Also called: WALKER-WARBURG SYNDROME OR MUSCLE-EYE-BRAIN DISEASE, ISPD-RELATED; Congenital muscular dystrophy-dystroglycanopathy with brain and eye anomalies, type A7. Identifiers: Orphanet 899, MedGen C3553330, MONDO:0013835, OMIM 614643.
Autosomal recessive limb-girdle muscular dystrophy type 2U. Also called: Muscular dystrophy-dystroglycanopathy (limb-girdle), type c, 7; MUSCULAR DYSTROPHY, LIMB-GIRDLE, TYPE 2U. Identifiers: Orphanet 352479, MedGen C5190987, MONDO:0014474, OMIM 616052.

gnomAD v4.1: 4 of 1,614,038 alleles (0.00025%); highest among the groups gnomAD compares: Non-Finnish European, 0.00025%; no homozygotes.

Submissions (2):

Labcorp Genetics (formerly Invitae), Labcorp
Classification: Likely benign for Muscular dystrophy-dystroglycanopathy (congenital with brain and eye anomalies), type A, 7; Autosomal recessive limb-girdle muscular dystrophy type 2U. Last evaluated: 2024-02-23. Review status: criteria provided, single submitter. Criteria: Invitae Variant Classification Sherloc (09022015). Collection method: clinical testing. Allele origin: germline.

CeGaT Center for Human Genetics Tuebingen
Classification: Likely benign. Last evaluated: 2023-05-01. Review status: criteria provided, single submitter. Criteria: CeGaT Center For Human Genetics Tuebingen Variant Classification Criteria Version 2. Collection method: clinical testing. Allele origin: germline. Affected: yes. Observed: 1 variant allele.
Comment: CRPPA: BP4, BP7